The following is an entry in ClinVar:

ClinVar aggregate classification (germline): Likely pathogenic (1 of 4 stars; one submission).

Conditions:
Nemaline myopathy 2 (NEM2). Also called: Nemaline myopathy 2, autosomal recessive. Identifiers: MedGen C1850569, MONDO:0009725, OMIM 256030.

Submission:

Myriad Genetics, Inc.
Classification: Likely pathogenic for Nemaline myopathy 2. Last evaluated: 2022-03-17. Review status: criteria provided, single submitter. Criteria: Myriad Women's Health Autosomal Recessive and X-Linked Classification Criteria (2021). Collection method: clinical testing. Allele origin: unknown.
Comment: NM_001271208.1(NEB):c.985G>T(E329*) is expected to be pathogenic in the context of NEB-related nemaline myopathy. This variant is predicted to lead to an abnormal or absent protein product due to the creation of a premature termination codon in NEB, a gene where loss-of-function variants are known to be pathogenic. Please note: this variant was assessed in the context of healthy population screening.

NM_001164508.2(NEB):c.985G>T (p.Glu329Ter)

Gene: NEB (nebulin; minus strand). Cytogenetic location: 2q23.3.
Variant type: single nucleotide variant.
Coding change: c.985G>T on transcript NM_001164508.2 (MANE Select); coding-DNA position 985, G replaced by T.
Protein change: p.Glu329Ter; replaces glutamic acid 329 with a stop codon.
Molecular consequence: nonsense.
Genome position (GRCh38, 1-based): chr2:151,709,706, C>A on the plus strand (G>T on the coding strand, the complement: NEB is on the minus strand). VCF-style: chr2-151709706-C-A. GRCh37 (hg19) VCF-style: chr2-152566220-C-A.
Other names: c.985G>T, p.Glu329Ter (NM_001164507.2, NM_001271208.2, NM_004543.5); short protein forms E329*.
Identifiers: ClinVar variation 1725393 (VCV001725393.2), dbSNP rs753638647, ClinGen allele CA348786010.
Genomic context (GRCh38, chr2:151,709,706, plus strand): 5'-TTCCTCATACCTTGCTAGCTGCCACACCAGCTTTTTTATTCATTTTATACTCTGGTGTTT[C>A]GGTCTGCATGAAGTAGATCTGGTCTTTCATGTTTTCAAAATCTTCCTGGTATTTCCTCTG-3'